The following is an entry in ClinVar:

ClinVar aggregate classification (germline): Benign. Review status: criteria provided, multiple submitters, no conflicts (2 of 4 stars). 13 submissions from 12 submitters: Benign (10). 3 of the submissions do not count toward it. Last evaluated 2026-02-04.

Conditions:
Brain small vessel disease 1 with or without ocular anomalies (BSVD1). Also called: Brain small vessel disease with or without ocular anomalies; PORENCEPHALY, TYPE 1, AUTOSOMAL DOMINANT; GOULD SYNDROME 1; BRAIN SMALL VESSEL DISEASE WITH HEMORRHAGE. Identifiers: Orphanet 2940, Orphanet 36383, Orphanet 99810, MedGen C4755307, MONDO:0008289, OMIM 175780.
Autosomal dominant familial hematuria-retinal arteriolar tortuosity-contractures syndrome. Also called: Hereditary Angiopathy with Nephropathy, Aneurysms, and Muscle Cramps (HANAC) Syndrome; Angiopathy, hereditary, with nephropathy, aneurysms, and muscle cramps. Identifiers: Orphanet 73229, MedGen C2673195, MONDO:0012726, OMIM 611773.

Allele frequency attached by ClinVar (database versions not stated): 1000 Genomes Project 30x 0.12867; TOPMed 0.13789; gnomAD 0.13807 and 0.13609; gnomAD exomes 0.14125 and 0.15099; ExAC 0.14288; 1000 Genomes Project 0.13039; ESP Exome Variant Server 0.13394.
gnomAD v4.1: 241,571 of 1,613,246 alleles (15%); highest among the groups gnomAD compares: East Asian, 22%; 18,771 homozygotes.

Submissions (13):

Labcorp Genetics (formerly Invitae), Labcorp
Classification: Benign. Last evaluated: 2026-02-04. Review status: criteria provided, single submitter. Criteria: Invitae Variant Classification Sherloc (09022015). Collection method: clinical testing. Allele origin: germline.

Blueprint Genetics
Classification: Benign. Last evaluated: 2024-11-27. Review status: criteria provided, single submitter. Criteria: ACMG Guidelines, 2015. Collection method: clinical testing. Allele origin: germline.

Mayo Clinic Laboratories, Mayo Clinic
Classification: Benign. Last evaluated: 2022-04-26. Review status: criteria provided, single submitter. Criteria: ACMG Guidelines, 2015. Collection method: clinical testing. Allele origin: germline. Observed: 323 variant alleles.

GeneDx
Classification: Benign. Last evaluated: 2018-07-09. Review status: criteria provided, single submitter. Criteria: GeneDx Variant Classification Process June 2021. Collection method: clinical testing. Allele origin: germline. Affected: yes.

Illumina Laboratory Services, Illumina
Classification: Benign for Autosomal dominant familial hematuria-retinal arteriolar tortuosity-contractures syndrome. Last evaluated: 2018-01-12. Review status: criteria provided, single submitter. Criteria: ICSL Variant Classification Criteria 13 December 2019. Collection method: clinical testing. Allele origin: germline.
Comment: This variant was observed in the ICSL laboratory as part of a predisposition screen in an ostensibly healthy population. It had not been previously curated by ICSL or reported in the Human Gene Mutation Database (HGMD: prior to June 1st, 2018), and was therefore a candidate for classification through an automated scoring system. Utilizing variant allele frequency, disease prevalence and penetrance estimates, and inheritance mode, an automated score was calculated to assess if this variant is too frequent to cause the disease. Based on the score and internal cut-off values, a variant classified as benign is not then subjected to further curation. The score for this variant resulted in a classification of benign for this disease.

Illumina Laboratory Services, Illumina
Classification: Benign for Brain small vessel disease 1 with or without ocular anomalies. Last evaluated: 2018-01-12. Review status: criteria provided, single submitter. Criteria: ICSL Variant Classification Criteria 13 December 2019. Collection method: clinical testing. Allele origin: germline.
Comment: the same text as in the submission from Illumina Laboratory Services, Illumina above.

Athena Diagnostics
Classification: Benign for Brain small vessel disease 1 with or without ocular anomalies. Last evaluated: 2017-06-01. Review status: criteria provided, single submitter. Criteria: Athena Diagnostics Criteria. Collection method: clinical testing. Allele origin: germline.

Eurofins Ntd Llc (ga)
Classification: Benign. Last evaluated: 2014-10-21. Review status: criteria provided, single submitter. Criteria: EGL Classification Definitions 2015. Collection method: clinical testing. Allele origin: germline. Observed: 1 variant allele, 1 heterozygote.

Breakthrough Genomics
Classification: Benign. Review status: criteria provided, single submitter. Criteria: ACMG Guidelines, 2015. Collection method: not provided. Allele origin: germline. Inheritance: Autosomal dominant inheritance. Affected: yes.

PreventionGenetics, part of Exact Sciences
Classification: Benign. Review status: criteria provided, single submitter. Criteria: ACMG Guidelines, 2015. Collection method: clinical testing. Allele origin: germline.

Clinical Genetics DNA and cytogenetics Diagnostics Lab, Erasmus MC, Erasmus Medical Center
Classification: Benign. Review status: no assertion criteria provided. Collection method: clinical testing. Allele origin: germline. Affected: yes. Study: VKGL Data-share Consensus. Not counted in ClinVar's aggregate classification.

Diagnostic Laboratory, Department of Genetics, University Medical Center Groningen
Classification: Benign. Review status: no assertion criteria provided. Collection method: clinical testing. Allele origin: germline. Affected: yes. Study: VKGL Data-share Consensus. Not counted in ClinVar's aggregate classification.

Joint Genome Diagnostic Labs from Nijmegen and Maastricht, Radboudumc and MUMC+
Classification: Benign. Review status: no assertion criteria provided. Collection method: clinical testing. Allele origin: germline. Affected: yes. Study: VKGL Data-share Consensus. Not counted in ClinVar's aggregate classification.

NM_001845.6(COL4A1):c.234+8C>T

Gene: COL4A1 (collagen type IV alpha 1 chain; minus strand). Cytogenetic location: 13q34.
Variant type: single nucleotide variant.
Coding change: c.234+8C>T on transcript NM_001845.6 (MANE Select); 8 bases into the intron after coding-DNA position 234, C replaced by T.
Molecular consequence: intron variant.
Genome position (GRCh38, 1-based): chr13:110,213,918, G>A on the plus strand (C>T on the coding strand, the complement: COL4A1 is on the minus strand). VCF-style: chr13-110213918-G-A. GRCh37 (hg19) VCF-style: chr13-110866265-G-A.
Other names: p.?; c.234+8C>T (NM_001303110.2).
Identifiers: ClinVar variation 196328 (VCV000196328.31), dbSNP rs9521650, ClinGen allele CA202304.
Genomic context (GRCh38, chr13:110,213,918, plus strand): 5'-ATCACCGCTATCTCAAGAATGCGGGCAATCTTACATCCACCCACCCCCAATCCCACAGCC[G>A]TGCTTACCTTTTGTCCTGGTGGTCCCTGTGGCCCCTCAGGTCCTTGCATTCCAGGAAACC-3'